The following is an entry in ClinVar:

ClinVar aggregate classification (germline): Benign/Likely benign. Review status: criteria provided, multiple submitters, no conflicts (2 of 4 stars). 2 submissions from 2 submitters: Benign (1); Likely benign (1). Last evaluated 2024-08-21.

Conditions:
Juvenile polyposis syndrome (JPS). Identifiers: Orphanet 2929, MedGen C0345893, MONDO:0017380, OMIM 174900.
Hereditary cancer-predisposing syndrome. Also called: Hereditary Cancer Syndrome; Tumor predisposition; Hereditary neoplastic syndrome; Neoplastic Syndromes, Hereditary. Identifiers: Orphanet 140162, MedGen C0027672, MeSH D009386, MONDO:0015356.

Submissions (2):

Ambry Genetics
Classification: Likely benign for Hereditary cancer-predisposing syndrome. Last evaluated: 2024-08-21. Review status: criteria provided, single submitter. Criteria: Ambry Variant Classification Scheme 2023. Collection method: clinical testing. Allele origin: germline.

Myriad Genetics, Inc.
Classification: Benign for Juvenile polyposis syndrome. Last evaluated: 2024-08-05. Review status: criteria provided, single submitter. Criteria: Myriad Autosomal Dominant, Autosomal Recessive and X-Linked Classification Criteria (2023). Collection method: clinical testing. Allele origin: unknown.
Comment: This variant is considered benign. This variant is a silent/synonymous amino acid change and it is not expected to impact splicing.

NM_004329.3(BMPR1A):c.960C>T (p.Phe320=)

Gene: BMPR1A (bone morphogenetic protein receptor type 1A; plus strand). Cytogenetic location: 10q23.2.
Variant type: single nucleotide variant.
Coding change: c.960C>T on transcript NM_004329.3 (MANE Select); coding-DNA position 960, C replaced by T.
Protein change: p.Phe320=; no amino-acid change (phenylalanine 320 retained).
Molecular consequence: synonymous variant. On other transcripts: non-coding transcript variant (3).
Genome position (GRCh38, 1-based): chr10:86,919,263, C>T. VCF-style: chr10-86919263-C-T. GRCh37 (hg19) VCF-style: chr10-88679020-C-T.
Other names: c.1035C>T, p.Phe345= (NM_001406559.1); c.1008C>T, p.Phe336= (NM_001406560.1); c.960C>T, p.Phe320= (NM_001406561.1, NM_001406562.1, NM_001406563.1 and 19 more transcripts); c.954C>T, p.Phe318= (NM_001406583.1); c.876C>T, p.Phe292= (NM_001406584.1, NM_001406585.1, NM_001406586.1 and 2 more transcripts); c.618C>T, p.Phe206= (NM_001406589.1).
Identifiers: ClinVar variation 3378658 (VCV003378658.2).
Genomic context (GRCh38, chr10:86,919,263, plus strand): 5'-TTCCTGGACTCAGCTCTATTTGATTACTGATTACCATGAAAATGGATCTCTCTATGACTT[C>T]CTGAAATGTGCTACACTGGACACCAGAGCCCTGCTTAAATTGGCTTATTCAGCTGCCTGT-3'
Protein context (NP_004320.2, residues 310-330): DYHENGSLYD[Phe320=]LKCATLDTRA